The following is an entry in ClinVar:

ClinVar aggregate classification (germline): Likely benign (1 of 4 stars; one submission).

Submission:

GeneDx
Classification: Likely benign. Last evaluated: 2021-10-19. Review status: criteria provided, single submitter. Criteria: GeneDx Variant Classification Process June 2021. Collection method: clinical testing. Allele origin: germline. Affected: yes.
Comment: See Variant Classification Assertion Criteria.

NM_004612.4(TGFBR1):c.*4804dup

Gene: TGFBR1 (transforming growth factor beta receptor 1; plus strand). Cytogenetic location: 9q22.33.
Variant type: Duplication.
Coding change: c.*4804dup on transcript NM_004612.4 (MANE Select); 4804 bases downstream of the stop codon, one base duplicated (T; older notation c.*4804dupT).
Molecular consequence: 3 prime UTR variant.
Genome position (GRCh38, 1-based): chr9:99,154,109, T duplicated; the last of 11 consecutive T bases (chr9:99,154,099-99,154,109); duplicating any one gives the same sequence. VCF-style (leftmost placement, unchanged base first): chr9-99154098-A-AT. GRCh37 (hg19) VCF-style: chr9-101916380-A-AT.
Other names: c.*4804dup (NM_001130916.3, NM_001306210.2).
Identifiers: ClinVar variation 364192 (VCV000364192.6), dbSNP rs561572489, ClinGen allele CA10634360.
Genomic context (GRCh38, chr9:99,154,098, plus strand): 5'-GTGAATAGGATTGCTCTCACATTAAAGATAGTTACTTCAATTTGAAGGCTGGATTTAGGG[A>AT]TTTTTTTTTTTCCTTATAACAAAGACATCACCAGGATATGAAGCTTTTGTTGAAAGTTGG-3'